The following is an entry in ClinVar:

NM_001184.4(ATR):c.2908A>G (p.Met970Val)

Gene: ATR (ATR checkpoint kinase; minus strand). Cytogenetic location: 3q23.
Variant type: single nucleotide variant.
Coding change: c.2908A>G on transcript NM_001184.4 (MANE Select); coding-DNA position 2908, A replaced by G.
Protein change: p.Met970Val; replaces methionine 970 with valine.
Molecular consequence: missense variant.
Genome position (GRCh38, 1-based): chr3:142,550,200, T>C on the plus strand (A>G on the coding strand, the complement: ATR is on the minus strand). VCF-style: chr3-142550200-T-C. GRCh37 (hg19) VCF-style: chr3-142269042-T-C.
Other names: c.2716A>G, p.Met906Val (NM_001354579.2); short protein forms M970V, M906V.
Identifiers: ClinVar variation 1797528 (VCV001797528.5), dbSNP rs2034424466, ClinGen allele CA354812771.

ClinVar aggregate classification (germline): Uncertain significance. Review status: criteria provided, multiple submitters, no conflicts (2 of 4 stars). 2 submissions from 2 submitters: Uncertain significance (2). Last evaluated 2024-08-04.

Conditions:
Inborn genetic diseases. Identifiers: MedGen C0950123, MeSH D030342.

Allele frequency attached by ClinVar (database versions not stated): TOPMed below 0.00001.

Submissions (2):

Ambry Genetics
Classification: Uncertain significance for Inborn genetic diseases. Last evaluated: 2024-08-04. Review status: criteria provided, single submitter. Criteria: Ambry Variant Classification Scheme 2023. Collection method: clinical testing. Allele origin: germline.
Comment: The p.M970V variant (also known as c.2908A>G), located in coding exon 14 of the ATR gene, results from an A to G substitution at nucleotide position 2908. The methionine at codon 970 is replaced by valine, an amino acid with highly similar properties. This amino acid position is conserved. In addition, this alteration is predicted to be tolerated by in silico analysis. Since supporting evidence is limited at this time, the clinical significance of this alteration remains unclear.

Labcorp Genetics (formerly Invitae), Labcorp
Classification: Uncertain significance. Last evaluated: 2024-03-05. Review status: criteria provided, single submitter. Criteria: Invitae Variant Classification Sherloc (09022015). Collection method: clinical testing. Allele origin: germline.
Comment: This sequence change replaces methionine, which is neutral and non-polar, with valine, which is neutral and non-polar, at codon 970 of the ATR protein (p.Met970Val). This variant is not present in population databases (gnomAD no frequency). This variant has not been reported in the literature in individuals affected with ATR-related conditions. ClinVar contains an entry for this variant (Variation ID: 1797528). An algorithm developed to predict the effect of missense changes on protein structure and function (PolyPhen-2) suggests that this variant is likely to be tolerated. In summary, the available evidence is currently insufficient to determine the role of this variant in disease. Therefore, it has been classified as a Variant of Uncertain Significance.